The following is an entry in ClinVar:

ClinVar aggregate classification (germline): Likely pathogenic (1 of 4 stars; one submission).

Conditions:
Familial cancer of breast. Also called: BREAST CANCER, FAMILIAL; Hereditary breast cancer; hereditary breast carcinoma. Identifiers: Orphanet 227535, MedGen C0346153, MONDO:0016419, OMIM 114480. Disease mechanism: loss of function.

Submission:

Labcorp Genetics (formerly Invitae), Labcorp
Classification: Likely pathogenic for Familial cancer of breast. Last evaluated: 2016-11-24. Review status: criteria provided, single submitter. Criteria: Invitae Variant Classification Sherloc (09022015). Collection method: clinical testing. Allele origin: germline.
Comment: This variant is a gross deletion of the genomic region encompassing exons 11-12 of the PALB2 gene. This leads to an in-frame deletion, preserving the integrity of the reading frame. Gross deletions of exons 11-12 have not been reported in the literature in individuals with a PALB2-related disease. Experimental studies and prediction algorithms are not available for this variant, However, this variant is expected to disrupt the WD40 domain of the PALB2 protein which directly interacts with BRCA2 and RAD51C, and thereby likely interferes with DNA repair function (PMID: 17420451, 19584259, 24141787). In summary, this variant is a rare in-frame deletion that is likely to disrupt a functionally important domain of PALB2. This evidence indicates that the variant is pathogenic, but additional data is needed to prove that conclusively. Therefore, this variant has been classified as Likely Pathogenic.

NM_024675.3(PALB2):c.3114-?_3350+?del

Gene: PALB2 (partner and localizer of BRCA2; minus strand). Cytogenetic location: 16p12.2.
Variant type: Deletion.
Coding change: c.3114-?_3350+?del on transcript NM_024675.3.
Other names: c.3114-?_3350+?del (LRG_308t1).
Identifiers: ClinVar variation 188093 (VCV000188093.2).